The following is an entry in ClinVar:

NM_001009944.3(PKD1):c.8911G>A (p.Ala2971Thr)

Gene: PKD1 (polycystin 1, transient receptor potential channel interacting; minus strand). Cytogenetic location: 16p13.3.
Variant type: single nucleotide variant.
Coding change: c.8911G>A on transcript NM_001009944.3 (MANE Select); coding-DNA position 8911, G replaced by A.
Protein change: p.Ala2971Thr; replaces alanine 2971 with threonine.
Molecular consequence: missense variant.
Genome position (GRCh38, 1-based): chr16:2,102,851, C>T on the plus strand (G>A on the coding strand, the complement: PKD1 is on the minus strand). VCF-style: chr16-2102851-C-T. GRCh37 (hg19) VCF-style: chr16-2152852-C-T.
Other names: c.8911G>A, p.Ala2971Thr (NM_000296.4); short protein forms A2971T.
Identifiers: ClinVar variation 448022 (VCV000448022.3), dbSNP rs1555450667, ClinGen allele CA394361551.
Genomic context (GRCh38, chr16:2,102,851, plus strand): 5'-CCAGGCTGGCCCGCAGAGCTCACCCCGGGGAAATGAAGAAGGTGTAGGGCCGGTGGTCAG[C>T]ACCCTGGAGTGACTCTGGGCGGATCCTCCTGCTAGCCGAGCAGTTGTGCTCATTGGGCCG-3'
Protein context (NP_001009944.3, residues 2961-2981): RRIRPESLQG[Ala2971Thr]DHRPYTFFIS

ClinVar aggregate classification (germline): Uncertain significance. Review status: criteria provided, multiple submitters, no conflicts (2 of 4 stars). 2 submissions from 2 submitters: Uncertain significance (2). Last evaluated 2021-03-31.

Submissions (2):

GeneDx
Classification: Uncertain significance. Last evaluated: 2021-03-31. Review status: criteria provided, single submitter. Criteria: GeneDx Variant Classification Process June 2021. Collection method: clinical testing. Allele origin: germline. Affected: yes.
Comment: Not observed in large population cohorts (Lek et al., 2016); In silico analysis supports that this missense variant does not alter protein structure/function; Has not been previously published as pathogenic or benign to our knowledge

Athena Diagnostics
Classification: Uncertain significance. Last evaluated: 2017-02-13. Review status: criteria provided, single submitter. Criteria: Athena Diagnostics Criteria. Collection method: clinical testing. Allele origin: germline.